The following is an entry in ClinVar:

ClinVar aggregate classification (germline): Uncertain significance (1 of 4 stars; one submission).

Allele frequency attached by ClinVar (database versions not stated): TOPMed 0.00001.
gnomAD v4.1: 7 of 1,613,454 alleles (0.00043%); highest among the groups gnomAD compares: East Asian, 0.0022%; no homozygotes.

Submission:

Institute for Clinical Genetics, University Hospital TU Dresden, University Hospital TU Dresden
Classification: Uncertain significance. Last evaluated: 2023-05-22. Review status: criteria provided, single submitter. Criteria: ACMG Guidelines, 2015. Collection method: clinical testing. Allele origin: maternal.
Comment: PM2_SUP

NM_001394998.1(TANC2):c.1534C>T (p.Arg512Cys)

Gene: TANC2 (tetratricopeptide repeat, ankyrin repeat and coiled-coil containing 2; plus strand). Cytogenetic location: 17q23.3.
Variant type: single nucleotide variant.
Coding change: c.1534C>T on transcript NM_001394998.1 (MANE Select); coding-DNA position 1534, C replaced by T.
Protein change: p.Arg512Cys; replaces arginine 512 with cysteine.
Molecular consequence: missense variant.
Genome position (GRCh38, 1-based): chr17:63,319,049, C>T. VCF-style: chr17-63319049-C-T. GRCh37 (hg19) VCF-style: chr17-61396410-C-T.
Other names: c.1312C>T, p.Arg438Cys (NM_001411076.1, NM_025185.4); short protein forms R438C, R512C.
Identifiers: ClinVar variation 2576141 (VCV002576141.1), dbSNP rs1480252971, ClinGen allele CA400795127.